The following is an entry in ClinVar:

NM_001110556.2(FLNA):c.3489C>T (p.Val1163=)

Gene: FLNA (filamin A; minus strand). Cytogenetic location: Xq28.
Variant type: single nucleotide variant.
Coding change: c.3489C>T on transcript NM_001110556.2 (MANE Select); coding-DNA position 3489, C replaced by T.
Protein change: p.Val1163=; no amino-acid change (valine 1163 retained).
Molecular consequence: synonymous variant.
Genome position (GRCh38, 1-based): chrX:154,360,306, G>A on the plus strand (C>T on the coding strand, the complement: FLNA is on the minus strand). VCF-style: chrX-154360306-G-A. GRCh37 (hg19) VCF-style: chrX-153588674-G-A.
Other names: c.3489C>T (NM_001456.3); c.3489C>T, p.Val1163= (NM_001456.4).
Identifiers: ClinVar variation 2942198 (VCV002942198.4), dbSNP rs2522741205, ClinGen allele CA519707878.
Genomic context (GRCh38, chrX:154,360,306, plus strand): 5'-CACTTGGAATTGGCCCACCTCCCCAGCGGTGGCCCGCTCCAGCCCGGGGCCTGAGCACTT[G>A]ACTTTGGATGCGTCAAAGCAGGGAACCACGTGGGCCTTGAATGGGGAGCCAGGGATGTGG-3'
Protein context (NP_001104026.1, residues 1153-1173): HVVPCFDASK[Val1163=]KCSGPGLERA

ClinVar aggregate classification (germline): Uncertain significance. Review status: criteria provided, multiple submitters, no conflicts (2 of 4 stars). 2 submissions from 2 submitters: Uncertain significance (2). Last evaluated 2025-02-27.

Conditions:
Oto-palato-digital syndrome, type II (OPD2). Also called: FACIOPALATOOSSEOUS SYNDROME; OPD II SYNDROME; Otopalatodigital Syndrome, Type II; Otopalatodigital Syndrome Type 2 (FLNA-OPD2). Identifiers: Orphanet 669, Orphanet 90652, MedGen C1844696, MONDO:0010571, OMIM 304120.
Heterotopia, periventricular, X-linked dominant (PVNH1). Also called: PERIVENTRICULAR NODULAR HETEROTOPIA 1; X-linked periventricular heterotopia; PERIVENTRICULAR NODULAR HETEROTOPIA 4; HETEROTOPIA, PERIVENTRICULAR, 1. Identifiers: Orphanet 2149, Orphanet 82004, MedGen C1848213, MONDO:0010233, OMIM 300049.
Frontometaphyseal dysplasia (FMD1). Identifiers: Orphanet 1826, MedGen C0265293, MONDO:0015942.
Melnick-Needles syndrome (MNS). Also called: MELNICK-NEEDLES OSTEODYSPLASTY; OSTEODYSPLASTY OF MELNICK AND NEEDLES; Melnick-Needles Syndrome (FLNA-MNS). Identifiers: Orphanet 2484, MedGen C0025237, MONDO:0010650, OMIM 309350.

Submissions (2):

GeneDx
Classification: Uncertain significance. Last evaluated: 2025-02-27. Review status: criteria provided, single submitter. Criteria: GeneDx Variant Classification Process June 2021. Collection method: clinical testing. Allele origin: germline. Affected: yes.
Comment: Not observed at significant frequency in large population cohorts (gnomAD); Has not been previously published as pathogenic or benign to our knowledge; In silico analysis suggests this variant may impact gene splicing. In the absence of RNA/functional studies, the actual effect of this sequence change is unknown.

Labcorp Genetics (formerly Invitae), Labcorp
Classification: Uncertain significance for Oto-palato-digital syndrome, type II; Heterotopia, periventricular, X-linked dominant; Frontometaphyseal dysplasia; Melnick-Needles syndrome. Last evaluated: 2022-12-10. Review status: criteria provided, single submitter. Criteria: Invitae Variant Classification Sherloc (09022015). Collection method: clinical testing. Allele origin: germline.
Comment: In summary, the available evidence is currently insufficient to determine the role of this variant in disease. Therefore, it has been classified as a Variant of Uncertain Significance. Algorithms developed to predict the effect of sequence changes on RNA splicing suggest that this variant may create or strengthen a splice site. This variant has not been reported in the literature in individuals affected with FLNA-related conditions. This variant is not present in population databases (gnomAD no frequency). This sequence change affects codon 1163 of the FLNA mRNA. It is a 'silent' change, meaning that it does not change the encoded amino acid sequence of the FLNA protein.